The following is an entry in ClinVar:

ClinVar aggregate classification (germline): Uncertain significance (1 of 4 stars; one submission).

Submission:

Labcorp Genetics (formerly Invitae), Labcorp
Classification: Uncertain significance. Last evaluated: 2025-05-08. Review status: criteria provided, single submitter. Criteria: Invitae Variant Classification Sherloc (09022015). Collection method: clinical testing. Allele origin: germline.
Comment: This sequence change replaces proline, which is neutral and non-polar, with serine, which is neutral and polar, at codon 1529 of the COL11A2 protein (p.Pro1529Ser). This variant is not present in population databases (gnomAD no frequency). This variant has not been reported in the literature in individuals affected with COL11A2-related conditions. Invitae Evidence Modeling of protein sequence and biophysical properties (such as structural, functional, and spatial information, amino acid conservation, physicochemical variation, residue mobility, and thermodynamic stability) indicates that this missense variant is not expected to disrupt COL11A2 protein function with a negative predictive value of 95%. In summary, the available evidence is currently insufficient to determine the role of this variant in disease. Therefore, it has been classified as a Variant of Uncertain Significance.

NM_080680.3(COL11A2):c.4585C>T (p.Pro1529Ser)

Gene: COL11A2 (collagen type XI alpha 2 chain; minus strand). Cytogenetic location: 6p21.32.
Variant type: single nucleotide variant.
Coding change: c.4585C>T on transcript NM_080680.3 (MANE Select); coding-DNA position 4585, C replaced by T.
Protein change: p.Pro1529Ser; replaces proline 1529 with serine.
Molecular consequence: missense variant.
Genome position (GRCh38, 1-based): chr6:33,165,714, G>A on the plus strand (C>T on the coding strand, the complement: COL11A2 is on the minus strand). VCF-style: chr6-33165714-G-A. GRCh37 (hg19) VCF-style: chr6-33133491-G-A.
Other names: c.4264C>T, p.Pro1422Ser (NM_080679.3); c.4327C>T, p.Pro1443Ser (NM_080681.3); c.4405C>T, p.Pro1469Ser (NM_001424108.1); c.3739C>T, p.Pro1247Ser (NM_001424109.1); c.3559C>T, p.Pro1187Ser (NM_001424110.1, NM_001424111.1); c.2539C>T, p.Pro847Ser (NM_001424112.1); short protein forms P1187S, P1247S, P1422S, P1443S, P1469S, P1529S, P847S.
Identifiers: ClinVar variation 4801307 (VCV004801307.1).